The following is an entry in ClinVar:

ClinVar aggregate classification (germline): Uncertain significance. Review status: criteria provided, multiple submitters, no conflicts (2 of 4 stars). 2 submissions from 2 submitters: Uncertain significance (2). Last evaluated 2024-04-19.

Conditions:
Autosomal recessive limb-girdle muscular dystrophy type 2A (LGMDR1). Also called: Limb-girdle muscular dystrophy, type 2A; Calpainopathy; LEYDEN-MOEBIUS MUSCULAR DYSTROPHY; MUSCULAR DYSTROPHY, PELVOFEMORAL; Muscular dystrophy, limb-girdle, type 2A, Amish. Identifiers: Orphanet 267, MedGen C1869123, MONDO:0009675, OMIM 253600. Disease mechanism: loss of function.
Inborn genetic diseases. Identifiers: MedGen C0950123, MeSH D030342.

Submissions (2):

Ambry Genetics
Classification: Uncertain significance for Inborn genetic diseases. Last evaluated: 2024-04-19. Review status: criteria provided, single submitter. Criteria: Ambry Variant Classification Scheme 2023. Collection method: clinical testing. Allele origin: germline.

Labcorp Genetics (formerly Invitae), Labcorp
Classification: Uncertain significance for Autosomal recessive limb-girdle muscular dystrophy type 2A. Last evaluated: 2022-01-14. Review status: criteria provided, single submitter. Criteria: Invitae Variant Classification Sherloc (09022015). Collection method: clinical testing. Allele origin: germline.
Comment: In summary, the available evidence is currently insufficient to determine the role of this variant in disease. Therefore, it has been classified as a Variant of Uncertain Significance. Algorithms developed to predict the effect of missense changes on protein structure and function (SIFT, PolyPhen-2, Align-GVGD) all suggest that this variant is likely to be tolerated. This variant has not been reported in the literature in individuals affected with CAPN3-related conditions. This variant is not present in population databases (gnomAD no frequency). This sequence change replaces alanine, which is neutral and non-polar, with glutamic acid, which is acidic and polar, at codon 14 of the CAPN3 protein (p.Ala14Glu).

NM_000070.3(CAPN3):c.41C>A (p.Ala14Glu)

Gene: CAPN3 (calpain 3; plus strand). Cytogenetic location: 15q15.1.
Variant type: single nucleotide variant.
Coding change: c.41C>A on transcript NM_000070.3 (MANE Select); coding-DNA position 41, C replaced by A.
Protein change: p.Ala14Glu; replaces alanine 14 with glutamic acid.
Molecular consequence: missense variant.
Genome position (GRCh38, 1-based): chr15:42,359,846, C>A. VCF-style: chr15-42359846-C-A. GRCh37 (hg19) VCF-style: chr15-42652044-C-A.
Other names: c.41C>A, p.Ala14Glu (NM_024344.2, NM_173087.2); c.41C>A (NM_000070.2); short protein forms A14E.
Identifiers: ClinVar variation 1978982 (VCV001978982.4), dbSNP rs771263688, ClinGen allele CA391994000.